The following is an entry in ClinVar:

NM_018006.5(TRMU):c.906_907del (p.Asp303fs)

Gene: TRMU (tRNA mitochondrial 2-thiouridylase; plus strand). Cytogenetic location: 22q13.31.
Variant type: Deletion.
Coding change: c.906_907del on transcript NM_018006.5 (MANE Select); coding-DNA positions 906 to 907, 2 bases deleted (GG; older notation c.906_907delGG).
Protein change: p.Asp303fs; shifts the reading frame from aspartic acid 303.
Molecular consequence: frameshift variant. On other transcripts: non-coding transcript variant (2).
Genome position (GRCh38, 1-based): chr22:46,355,476-46,355,477, GG deleted; deleting any 2 consecutive bases within chr22:46,355,475-46,355,477 gives the same sequence; the c. name uses the placement nearest the transcript's 3' end. VCF-style (leftmost placement, unchanged base first): chr22-46355474-AGG-A. GRCh37 (hg19) VCF-style: chr22-46751371-AGG-A.
Other names: c.*350_*351delGG (NM_001008568.2); c.*444_*445delGG (NM_001008570.2); c.564_565del, p.Asp189fs (NM_001282782.2); c.486_487del, p.Asp163fs (NM_001282783.2, NM_001282784.2); c.906_907del, p.Asp303fs (NM_001282785.2); short protein forms D163fs, D303fs, D189fs.
Identifiers: ClinVar variation 2821546 (VCV002821546.3), dbSNP rs2518211131, ClinGen allele CA2739268016.

ClinVar aggregate classification (germline): Pathogenic (1 of 4 stars; one submission).

Submission:

Labcorp Genetics (formerly Invitae), Labcorp
Classification: Pathogenic. Last evaluated: 2022-12-16. Review status: criteria provided, single submitter. Criteria: Invitae Variant Classification Sherloc (09022015). Collection method: clinical testing. Allele origin: germline.
Comment: This sequence change creates a premature translational stop signal (p.Asp303Profs*102) in the TRMU gene. While this is not anticipated to result in nonsense mediated decay, it is expected to disrupt the last 119 amino acid(s) of the TRMU protein. This variant is not present in population databases (gnomAD no frequency). This variant has not been reported in the literature in individuals affected with TRMU-related conditions. This variant disrupts a region of the TRMU protein in which other variant(s) (c.1102-3C>G) have been determined to be pathogenic (PMID: 21931168). This suggests that this is a clinically significant region of the protein, and that variants that disrupt it are likely to be disease-causing. For these reasons, this variant has been classified as Pathogenic.

Literature cited by the submitters: PubMed 21931168.